The following is an entry in ClinVar:

NM_018124.4(RFWD3):c.54A>T (p.Glu18Asp)

Gene: RFWD3 (ring finger and WD repeat domain 3; minus strand). Cytogenetic location: 16q23.1.
Variant type: single nucleotide variant.
Coding change: c.54A>T on transcript NM_018124.4 (MANE Select); coding-DNA position 54, A replaced by T.
Protein change: p.Glu18Asp; replaces glutamic acid 18 with aspartic acid.
Molecular consequence: missense variant. On other transcripts: 5 prime UTR variant (4), intron variant (1).
Genome position (GRCh38, 1-based): chr16:74,661,396, T>A on the plus strand (A>T on the coding strand, the complement: RFWD3 is on the minus strand). VCF-style: chr16-74661396-T-A. GRCh37 (hg19) VCF-style: chr16-74695294-T-A.
Other names: c.54A>T, p.Glu18Asp (NM_001370534.1, NM_001370535.1, NM_001370536.1); c.-955A>T (NM_001370537.1); c.-578A>T (NM_001370539.1, NM_001370541.1); c.-832A>T (NM_001370542.1); c.-710A>T (NM_001370543.1); c.-317+3228A>T (NM_001370540.1); short protein forms E18D.
Identifiers: ClinVar variation 2904828 (VCV002904828.3), dbSNP rs758901430, ClinGen allele CA8169663.

ClinVar aggregate classification (germline): Uncertain significance (1 of 4 stars; one submission).

Allele frequency attached by ClinVar (database versions not stated): ExAC 0.00001; TOPMed 0.00001; gnomAD 0.00002.
gnomAD v4.1: 22 of 1,613,906 alleles (0.0014%); highest among the groups gnomAD compares: Non-Finnish European, 0.0019%; no homozygotes.

Submission:

Labcorp Genetics (formerly Invitae), Labcorp
Classification: Uncertain significance. Last evaluated: 2023-03-04. Review status: criteria provided, single submitter. Criteria: Invitae Variant Classification Sherloc (09022015). Collection method: clinical testing. Allele origin: germline.
Comment: This sequence change replaces glutamic acid, which is acidic and polar, with aspartic acid, which is acidic and polar, at codon 18 of the RFWD3 protein (p.Glu18Asp). In summary, the available evidence is currently insufficient to determine the role of this variant in disease. Therefore, it has been classified as a Variant of Uncertain Significance. An algorithm developed to predict the effect of missense changes on protein structure and function (PolyPhen-2) suggests that this variant is likely to be tolerated. This variant has not been reported in the literature in individuals affected with RFWD3-related conditions. This variant is present in population databases (rs758901430, gnomAD 0.002%).